The following is an entry in ClinVar:

ClinVar aggregate classification (germline): Likely benign (0 of 4 stars; one submission).

Conditions:
ARFGAP2-related disorder. Also called: ARFGAP2-related condition.

Allele frequency attached by ClinVar (database versions not stated): 1000 Genomes Project 30x 0.00156; 1000 Genomes Project 0.00180; ExAC 0.00291; gnomAD 0.00322; TOPMed 0.00361; ESP Exome Variant Server 0.00423; gnomAD exomes 0.00565.
gnomAD v4.1: 8,476 of 1,569,028 alleles (0.54%); highest among the groups gnomAD compares: Non-Finnish European, 0.67%; 34 homozygotes.

Submission:

PreventionGenetics, part of Exact Sciences
Classification: Likely benign for ARFGAP2-related condition. Last evaluated: 2022-02-23. Review status: no assertion criteria provided. Collection method: clinical testing. Allele origin: germline.
Comment: This variant is classified as likely benign based on ACMG/AMP sequence variant interpretation guidelines (Richards et al. 2015 PMID: 25741868, with internal and published modifications).

NM_032389.6(ARFGAP2):c.1555G>A (p.Gly519Ser)

Gene: ARFGAP2 (ARF GTPase activating protein 2; minus strand). Cytogenetic location: 11p11.2.
Variant type: single nucleotide variant.
Coding change: c.1555G>A on transcript NM_032389.6 (MANE Select); coding-DNA position 1555, G replaced by A.
Protein change: p.Gly519Ser; replaces glycine 519 with serine.
Molecular consequence: missense variant.
Genome position (GRCh38, 1-based): chr11:47,165,493, C>T on the plus strand (G>A on the coding strand, the complement: ARFGAP2 is on the minus strand). VCF-style: chr11-47165493-C-T. GRCh37 (hg19) VCF-style: chr11-47187044-C-T.
Other names: c.1471G>A, p.Gly491Ser (NM_001242832.2); c.1597G>A, p.Gly533Ser (NM_001410995.1); short protein forms G491S, G519S, G533S.
Identifiers: ClinVar variation 3044117 (VCV003044117.2), dbSNP rs142683966, ClinGen allele CA5971193.